The following is an entry in ClinVar:

ClinVar aggregate classification (germline): Uncertain significance. Review status: criteria provided, multiple submitters, no conflicts (2 of 4 stars). 4 submissions from 4 submitters: Uncertain significance (4). Last evaluated 2025-12-01.

Conditions:
Hereditary cancer-predisposing syndrome. Also called: Hereditary neoplastic syndrome; Tumor predisposition; Hereditary Cancer Syndrome; Neoplastic Syndromes, Hereditary. Identifiers: Orphanet 140162, MedGen C0027672, MeSH D009386, MONDO:0015356.
Isolated focal cortical dysplasia type II (FCORD2). Also called: Focal cortical dysplasia type II; CORTICAL DYSPLASIA OF TAYLOR. Identifiers: Orphanet 268994, MedGen C1846385, MONDO:0011818, OMIM 607341, HP:0032051.
Tuberous sclerosis 2 (TSC2). Identifiers: Orphanet 805, MedGen C1860707, MONDO:0013199, OMIM 613254.

gnomAD v4.1: 2 of 1,613,808 alleles (0.00012%); highest among the groups gnomAD compares: Non-Finnish European, 0.000085%; no homozygotes.

Submissions (4):

Labcorp Genetics (formerly Invitae), Labcorp
Classification: Uncertain significance for Tuberous sclerosis 2. Last evaluated: 2025-12-01. Review status: criteria provided, single submitter. Criteria: Invitae Variant Classification Sherloc (09022015). Collection method: clinical testing. Allele origin: germline.
Comment: This sequence change replaces isoleucine, which is neutral and non-polar, with methionine, which is neutral and non-polar, at codon 195 of the TSC2 protein (p.Ile195Met). This variant is not present in population databases (gnomAD no frequency). This variant has not been reported in the literature in individuals affected with TSC2-related conditions. ClinVar contains an entry for this variant (Variation ID: 581042). Invitae Evidence Modeling of protein sequence and biophysical properties (such as structural, functional, and spatial information, amino acid conservation, physicochemical variation, residue mobility, and thermodynamic stability) indicates that this missense variant is not expected to disrupt TSC2 protein function with a negative predictive value of 95%. Algorithms developed to predict the effect of sequence changes on RNA splicing suggest that this variant may disrupt the consensus splice site. In summary, the available evidence is currently insufficient to determine the role of this variant in disease. Therefore, it has been classified as a Variant of Uncertain Significance.

Ambry Genetics
Classification: Uncertain significance for Hereditary cancer-predisposing syndrome. Last evaluated: 2025-06-10. Review status: criteria provided, single submitter. Criteria: Ambry Variant Classification Scheme 2023. Collection method: clinical testing. Allele origin: germline.
Comment: The p.I195M variant (also known as c.585C>G), located in coding exon 5 of the TSC2 gene, results from a C to G substitution at nucleotide position 585. The isoleucine at codon 195 is replaced by methionine, an amino acid with highly similar properties. This amino acid position is well conserved in available vertebrate species. In addition, the in silico prediction for this alteration is inconclusive. Based on the available evidence, the clinical significance of this variant remains unclear.

Baylor Genetics
Classification: Uncertain significance for Isolated focal cortical dysplasia type II. Last evaluated: 2024-03-13. Review status: criteria provided, single submitter. Criteria: ACMG Guidelines, 2015. Collection method: clinical testing. Allele origin: unknown.

GeneDx
Classification: Uncertain significance. Last evaluated: 2022-06-20. Review status: criteria provided, single submitter. Criteria: GeneDx Variant Classification Process June 2021. Collection method: clinical testing. Allele origin: germline. Affected: yes.
Comment: Not observed at significant frequency in large population cohorts (gnomAD); In silico analysis supports that this missense variant does not alter protein structure/function; Has not been previously published as pathogenic or benign to our knowledge; This variant is associated with the following publications: (PMID: 18466115)

NM_000548.5(TSC2):c.585C>G (p.Ile195Met)

Gene: TSC2 (TSC complex subunit 2; plus strand). Cytogenetic location: 16p13.3.
Variant type: single nucleotide variant.
Coding change: c.585C>G on transcript NM_000548.5 (MANE Select); coding-DNA position 585, C replaced by G.
Protein change: p.Ile195Met; replaces isoleucine 195 with methionine.
Molecular consequence: missense variant. On other transcripts: intron variant (1).
Genome position (GRCh38, 1-based): chr16:2,055,505, C>G. VCF-style: chr16-2055505-C-G. GRCh37 (hg19) VCF-style: chr16-2105506-C-G.
Other names: c.585C>G, p.Ile195Met (NM_001077183.3, NM_001114382.3, NM_001363528.2 and 3 more transcripts); c.474C>G, p.Ile158Met (NM_001318827.2); c.438C>G, p.Ile146Met (NM_001318829.2); c.618C>G, p.Ile206Met (NM_001318832.2); c.-1-691C>G (NM_001318831.2); short protein forms I195M, I146M, I158M, I206M.
Identifiers: ClinVar variation 581042 (VCV000581042.15), dbSNP rs397515309, ClinGen allele CA394309808.
Genomic context (GRCh38, chr16:2,055,505, plus strand): 5'-ATTCCTTCTGGTGCTGGTGAACTTGGTCAAATTCAATAGCTGTTACCTCGACGAGTACAT[C>G]GCAAGGATGGTTCAGTAAGAAAAGAATTGAGATCCTGTTCTGATAATGGTCCTAAGTTCA-3'
Protein context (NP_000539.2, residues 185-205): KFNSCYLDEY[Ile195Met]ARMVQMICLL